The following is an entry in ClinVar:

ClinVar aggregate classification (germline): Benign/Likely benign. Review status: criteria provided, multiple submitters, no conflicts (2 of 4 stars). 8 submissions from 6 submitters: Benign (2); Likely benign (6). Last evaluated 2025-12-14.

Conditions:
Pallister-Hall syndrome (PHS). Also called: HYPOTHALAMIC HAMARTOBLASTOMA, HYPOPITUITARISM, IMPERFORATE ANUS, AND POSTAXIAL POLYDACTYLY; GLI3-Related Pallister-Hall Syndrome. Identifiers: Orphanet 672, MedGen C0265220, MONDO:0007804, OMIM 146510.
Greig cephalopolysyndactyly syndrome (GCPS). Also called: POLYSYNDACTYLY WITH PECULIAR SKULL SHAPE; GLI3-Related Greig Cephalopolysyndactyly Syndrome; Greig syndrome. Identifiers: Orphanet 380, MedGen C0265306, MONDO:0008287, OMIM 175700.
Polydactyly, postaxial, type A1. Identifiers: MedGen C4282400, MONDO:0008266, OMIM 174200.
Polysyndactyly 4. Also called: Polysyndactyly uncomplicated; Preaxial polydactyly 4. Identifiers: Orphanet 93338, MedGen C1868111, MONDO:0008272, OMIM 174700.
Polydactyly. Also called: polydactylism. Identifiers: MedGen C0152427, MONDO:0021003, OMIM 603596, HP:0010442.

Allele frequency attached by ClinVar (database versions not stated): gnomAD exomes 0.00022 and 0.00047; ExAC 0.00057; 1000 Genomes Project 0.00140; 1000 Genomes Project 30x 0.00156; gnomAD 0.00178 and 0.00193; ESP Exome Variant Server 0.00185; TOPMed 0.00218.
gnomAD v4.1: 599 of 1,613,584 alleles (0.037%); highest among the groups gnomAD compares: African/African-American, 0.7%; 4 homozygotes.

Submissions (8):

Labcorp Genetics (formerly Invitae), Labcorp
Classification: Benign for Pallister-Hall syndrome; Greig cephalopolysyndactyly syndrome. Last evaluated: 2025-12-14. Review status: criteria provided, single submitter. Criteria: Invitae Variant Classification Sherloc (09022015). Collection method: clinical testing. Allele origin: germline.

Blueprint Genetics
Classification: Likely benign. Last evaluated: 2024-10-09. Review status: criteria provided, single submitter. Criteria: ACMG Guidelines, 2015. Collection method: clinical testing. Allele origin: germline.

Fulgent Genetics
Classification: Likely benign for Pallister-Hall syndrome; Polydactyly, postaxial, type A1; Polysyndactyly 4; Greig cephalopolysyndactyly syndrome. Last evaluated: 2021-08-20. Review status: criteria provided, single submitter. Criteria: ACMG Guidelines, 2015. Collection method: clinical testing. Allele origin: unknown.

GeneDx
Classification: Benign. Last evaluated: 2018-02-02. Review status: criteria provided, single submitter. Criteria: GeneDx Variant Classification (06012015). Collection method: clinical testing. Allele origin: germline. Affected: yes.
Comment: This variant is considered likely benign or benign based on one or more of the following criteria: it is a conservative change, it occurs at a poorly conserved position in the protein, it is predicted to be benign by multiple in silico algorithms, and/or has population frequency not consistent with disease.

Illumina Laboratory Services, Illumina
Classification: Likely benign for Greig cephalopolysyndactyly syndrome. Last evaluated: 2017-04-27. Review status: criteria provided, single submitter. Criteria: ICSL Variant Classification Criteria 13 December 2019. Collection method: clinical testing. Allele origin: germline.
Comment: This variant was observed as part of a predisposition screen in an ostensibly healthy population. A literature search was performed for the gene, cDNA change, and amino acid change (where applicable). No publications were found based on this search. Allele frequency data from public databases allowed determination this variant is unlikely to cause disease. Therefore, this variant is classified as likely benign.

Illumina Laboratory Services, Illumina
Classification: Likely benign for Pallister-Hall syndrome. Last evaluated: 2017-04-27. Review status: criteria provided, single submitter. Criteria: ICSL Variant Classification Criteria 13 December 2019. Collection method: clinical testing. Allele origin: germline.
Comment: the same text as in the submission from Illumina Laboratory Services, Illumina above.

Illumina Laboratory Services, Illumina
Classification: Likely benign for Polydactyly. Last evaluated: 2017-04-27. Review status: criteria provided, single submitter. Criteria: ICSL Variant Classification Criteria 13 December 2019. Collection method: clinical testing. Allele origin: germline.
Comment: the same text as in the submission from Illumina Laboratory Services, Illumina above.

Genetic Services Laboratory, University of Chicago
Classification: Likely benign. Last evaluated: 2016-05-17. Review status: criteria provided, single submitter. Criteria: ACMG Guidelines, 2015. Collection method: clinical testing. Allele origin: germline. Affected: no.

NM_000168.6(GLI3):c.280C>T (p.Leu94=)

Gene: GLI3 (GLI family zinc finger 3; minus strand). Cytogenetic location: 7p14.1.
Variant type: single nucleotide variant.
Coding change: c.280C>T on transcript NM_000168.6 (MANE Select); coding-DNA position 280, C replaced by T.
Protein change: p.Leu94=; no amino-acid change (leucine 94 retained).
Molecular consequence: synonymous variant.
Genome position (GRCh38, 1-based): chr7:42,148,313, G>A on the plus strand (C>T on the coding strand, the complement: GLI3 is on the minus strand). VCF-style: chr7-42148313-G-A. GRCh37 (hg19) VCF-style: chr7-42187912-G-A.
Identifiers: ClinVar variation 360261 (VCV000360261.20), dbSNP rs115137047, ClinGen allele CA4231263.